The following is an entry in ClinVar:

NM_001734.5(C1S):c.998G>T (p.Gly333Val)

Gene: C1S (complement C1s; plus strand). Cytogenetic location: 12p13.31.
Variant type: single nucleotide variant.
Coding change: c.998G>T on transcript NM_001734.5 (MANE Select); coding-DNA position 998, G replaced by T.
Protein change: p.Gly333Val; replaces glycine 333 with valine.
Molecular consequence: missense variant.
Genome position (GRCh38, 1-based): chr12:7,067,049, G>T. VCF-style: chr12-7067049-G-T. GRCh37 (hg19) VCF-style: chr12-7174353-G-T.
Other names: c.497G>T, p.Gly166Val (NM_001346850.2); c.998G>T, p.Gly333Val (NM_201442.4); short protein forms G333V, G166V.
Identifiers: ClinVar variation 4742691 (VCV004742691.1).

ClinVar aggregate classification (germline): Uncertain significance (1 of 4 stars; one submission).

gnomAD v4.1: 8 of 1,611,426 alleles (0.0005%); highest among the groups gnomAD compares: Non-Finnish European, 0.00068%; no homozygotes.

Submission:

Labcorp Genetics (formerly Invitae), Labcorp
Classification: Uncertain significance. Last evaluated: 2025-10-21. Review status: criteria provided, single submitter. Criteria: Invitae Variant Classification Sherloc (09022015). Collection method: clinical testing. Allele origin: germline.
Comment: This sequence change replaces glycine, which is neutral and non-polar, with valine, which is neutral and non-polar, at codon 333 of the C1S protein (p.Gly333Val). This variant is not present in population databases (gnomAD no frequency). This variant has not been reported in the literature in individuals affected with C1S-related conditions. Invitae Evidence Modeling of protein sequence and biophysical properties (such as structural, functional, and spatial information, amino acid conservation, physicochemical variation, residue mobility, and thermodynamic stability) indicates that this missense variant is not expected to disrupt C1S protein function with a negative predictive value of 80%. In summary, the available evidence is currently insufficient to determine the role of this variant in disease. Therefore, it has been classified as a Variant of Uncertain Significance.